The following is an entry in ClinVar:

NM_032119.4(ADGRV1):c.14873G>A (p.Gly4958Glu)

Gene: ADGRV1 (adhesion G protein-coupled receptor V1; plus strand). Cytogenetic location: 5q14.3.
Variant type: single nucleotide variant.
Coding change: c.14873G>A on transcript NM_032119.4 (MANE Select); coding-DNA position 14873, G replaced by A.
Protein change: p.Gly4958Glu; replaces glycine 4958 with glutamic acid.
Molecular consequence: missense variant. On other transcripts: non-coding transcript variant (1).
Genome position (GRCh38, 1-based): chr5:90,807,638, G>A. VCF-style: chr5-90807638-G-A. GRCh37 (hg19) VCF-style: chr5-90103455-G-A.
Other names: short protein forms G4958E.
Identifiers: ClinVar variation 4884904 (VCV004884904.2).

ClinVar aggregate classification (germline): Uncertain significance (1 of 4 stars; one submission).

gnomAD v4.1: 2 of 1,613,000 alleles (0.00012%); highest among the groups gnomAD compares: African/African-American, 0.0013%; no homozygotes.

Submission:

Dasa
Classification: Uncertain significance. Last evaluated: 2025-07-05. Review status: criteria provided, single submitter. Criteria: DASA Assertion Criteria. Collection method: clinical testing. Allele origin: germline.
Comment: NM_032119.4(ADGRV1):c.14873G>A (p.Gly4958Glu) is a missense variant that results in the substitution of glycine with glutamic acid. This variant is rare in population databases. Computational prediction algorithms are consistent with a benign effect. The currently available literature and clinical evidence are not sufficient to establish a definitive association between this variant and the reported condition. Therefore, this variant is classified as a variant of uncertain significance.